The following is an entry in ClinVar:

NM_000276.4(OCRL):c.895A>G (p.Met299Val)

Gene: OCRL (OCRL inositol polyphosphate-5-phosphatase; plus strand). Cytogenetic location: Xq26.1.
Variant type: single nucleotide variant.
Coding change: c.895A>G on transcript NM_000276.4 (MANE Select); coding-DNA position 895, A replaced by G.
Protein change: p.Met299Val; replaces methionine 299 with valine.
Molecular consequence: missense variant.
Genome position (GRCh38, 1-based): chrX:129,561,249, A>G. VCF-style: chrX-129561249-A-G. GRCh37 (hg19) VCF-style: chrX-128695226-A-G.
Other names: NC_000023.10:g.128695226A>G; c.898A>G, p.Met300Val (NM_001318784.2); c.895A>G, p.Met299Val (NM_001587.4); short protein forms M300V, M299V.
Identifiers: ClinVar variation 4469844 (VCV004469844.2).

ClinVar aggregate classification (germline): Uncertain significance (1 of 4 stars; one submission).

Conditions:
Lowe syndrome (OCRL). Also called: LOWE OCULOCEREBRORENAL SYNDROME; PHOSPHATIDYLINOSITOL 4,5-BISPHOSPHATE 5-PHOSPHATASE DEFICIENCY; Oculocerebrorenal Syndrome. Identifiers: Orphanet 534, MedGen C0028860, MONDO:0010645, OMIM 309000.

Submissions (3):

Labcorp Genetics (formerly Invitae), Labcorp
Classification: Uncertain significance for Lowe syndrome. Last evaluated: 2025-11-11. Review status: criteria provided, single submitter. Criteria: Invitae Variant Classification Sherloc (09022015). Collection method: clinical testing. Allele origin: germline.
Comment: This sequence change replaces methionine, which is neutral and non-polar, with valine, which is neutral and non-polar, at codon 299 of the OCRL protein (p.Met299Val). This variant is not present in population databases (gnomAD no frequency). This variant has not been reported in the literature in individuals affected with OCRL-related conditions. Invitae Evidence Modeling of protein sequence and biophysical properties (such as structural, functional, and spatial information, amino acid conservation, physicochemical variation, residue mobility, and thermodynamic stability) indicates that this missense variant is not expected to disrupt OCRL protein function with a negative predictive value of 80%. In summary, the available evidence is currently insufficient to determine the role of this variant in disease. Therefore, it has been classified as a Variant of Uncertain Significance.

Dr. Peter K. Rogan Lab, Western University
No classification provided (evidence only). Condition: Nonpapillary renal cell carcinoma. Review status: no classification provided. Collection method: in vitro. Allele origin: not applicable. Functional consequence: retained intron. Not counted in ClinVar's aggregate classification.

Dr. Peter K. Rogan Lab, Western University
No classification provided (evidence only). Condition: Nonpapillary renal cell carcinoma. Review status: no classification provided. Collection method: in vitro. Allele origin: not applicable. Functional consequence: retained intron. Not counted in ClinVar's aggregate classification.